The following is an entry in ClinVar:

ClinVar aggregate classification (germline): Benign (1 of 4 stars; one submission).

Conditions:
Osteogenesis imperfecta type 7 (OI7). Also called: OI type 7; OI type VII; OSTEOGENESIS IMPERFECTA, TYPE IIB; Osteogenesis imperfecta type 2B; OI type 2B; Osteogenesis imperfecta, perinatal lethal autosomal recessive. Identifiers: MedGen C1853162, MONDO:0012536, OMIM 610682.

Allele frequency attached by ClinVar (database versions not stated): gnomAD 0.00581 and 0.00619; TOPMed 0.00664; 1000 Genomes Project 0.00719; 1000 Genomes Project 30x 0.00859.

Submission:

Illumina Laboratory Services, Illumina
Classification: Benign for Osteogenesis imperfecta type 7. Last evaluated: 2018-01-12. Review status: criteria provided, single submitter. Criteria: ICSL Variant Classification Criteria 13 December 2019. Collection method: clinical testing. Allele origin: germline.
Comment: This variant was observed in the ICSL laboratory as part of a predisposition screen in an ostensibly healthy population. It had not been previously curated by ICSL or reported in the Human Gene Mutation Database (HGMD: prior to June 1st, 2018), and was therefore a candidate for classification through an automated scoring system. Utilizing variant allele frequency, disease prevalence and penetrance estimates, and inheritance mode, an automated score was calculated to assess if this variant is too frequent to cause the disease. Based on the score and internal cut-off values, a variant classified as benign is not then subjected to further curation. The score for this variant resulted in a classification of benign for this disease.

NM_006371.5(CRTAP):c.*3464A>C

Gene: CRTAP (cartilage associated protein; plus strand). Cytogenetic location: 3p22.3.
Variant type: single nucleotide variant.
Coding change: c.*3464A>C on transcript NM_006371.5 (MANE Select); 3464 bases downstream of the stop codon, A replaced by C.
Molecular consequence: 3 prime UTR variant.
Genome position (GRCh38, 1-based): chr3:33,145,912, A>C. VCF-style: chr3-33145912-A-C. GRCh37 (hg19) VCF-style: chr3-33187404-A-C.
Identifiers: ClinVar variation 344868 (VCV000344868.5), dbSNP rs144325894, ClinGen allele CA10616191.